The following is an entry in ClinVar:

ClinVar aggregate classification (germline): Uncertain significance. Review status: criteria provided, single submitter (1 of 4 stars). 2 submissions from 2 submitters: Uncertain significance (1). 1 of the submissions does not count toward it. Last evaluated 2022-06-27.

Conditions:
LOXL3-related disorder. Also called: LOXL3-related condition.

Allele frequency attached by ClinVar (database versions not stated): 1000 Genomes Project 30x 0.00016.
gnomAD v4.1: 484 of 1,612,502 alleles (0.03%); highest among the groups gnomAD compares: Non-Finnish European, 0.037%; 1 homozygote.

Submissions (2):

Labcorp Genetics (formerly Invitae), Labcorp
Classification: Uncertain significance. Last evaluated: 2022-06-27. Review status: criteria provided, single submitter. Criteria: Invitae Variant Classification Sherloc (09022015). Collection method: clinical testing. Allele origin: germline.
Comment: This sequence change replaces arginine, which is basic and polar, with histidine, which is basic and polar, at codon 106 of the LOXL3 protein (p.Arg106His). This variant is present in population databases (rs73949682, gnomAD 0.03%). This variant has not been reported in the literature in individuals affected with LOXL3-related conditions. Algorithms developed to predict the effect of missense changes on protein structure and function are either unavailable or do not agree on the potential impact of this missense change (SIFT: "Deleterious"; PolyPhen-2: "Probably Damaging"; Align-GVGD: "Class C0"). In summary, the available evidence is currently insufficient to determine the role of this variant in disease. Therefore, it has been classified as a Variant of Uncertain Significance.

PreventionGenetics, part of Exact Sciences
Classification: Uncertain significance for LOXL3-related condition. Last evaluated: 2024-07-03. Review status: no assertion criteria provided. Collection method: clinical testing. Allele origin: germline. Not counted in ClinVar's aggregate classification.
Comment: The LOXL3 c.317G>A variant is predicted to result in the amino acid substitution p.Arg106His. To our knowledge, this variant has not been reported in the literature. This variant is reported in 0.026% of alleles in individuals of Latino descent in gnomAD. At this time, the clinical significance of this variant is uncertain due to the absence of conclusive functional and genetic evidence.

NM_032603.5(LOXL3):c.317G>A (p.Arg106His)

Genes: DOK1 (docking protein 1; plus strand), LOXL3 (lysyl oxidase like 3; minus strand). Cytogenetic location: 2p13.1.
Variant type: single nucleotide variant.
Coding change: c.317G>A on transcript NM_032603.5 (MANE Select); coding-DNA position 317, G replaced by A.
Protein change: p.Arg106His; replaces arginine 106 with histidine.
Molecular consequence: missense variant. On other transcripts: intron variant (1).
Genome position (GRCh38, 1-based): chr2:74,550,345, C>T on the plus strand (G>A on the coding strand, the complement: LOXL3 is on the minus strand). VCF-style: chr2-74550345-C-T. GRCh37 (hg19) VCF-style: chr2-74777472-C-T.
Other names: c.317G>A, p.Arg106His (NM_001289164.3); c.-358+1173C>T (NM_001197260.2); short protein forms R106H.
Identifiers: ClinVar variation 1389883 (VCV001389883.5), dbSNP rs73949682, ClinGen allele CA1729206.